The following is an entry in ClinVar:

ClinVar aggregate classification (germline): Uncertain significance. Review status: criteria provided, single submitter (1 of 4 stars). 2 submissions from 2 submitters: Uncertain significance (1). 1 of the submissions does not count toward it. Last evaluated 2022-08-20.

Conditions:
SERPINF1-related disorder. Also called: SERPINF1-related condition.

Allele frequency attached by ClinVar (database versions not stated): gnomAD 0.00004; TOPMed 0.00005; ESP Exome Variant Server 0.00008; ExAC 0.00021.
gnomAD v4.1: 167 of 1,613,976 alleles (0.01%); highest among the groups gnomAD compares: South Asian, 0.018%; no homozygotes.

Submissions (2):

Labcorp Genetics (formerly Invitae), Labcorp
Classification: Uncertain significance. Last evaluated: 2022-08-20. Review status: criteria provided, single submitter. Criteria: Invitae Variant Classification Sherloc (09022015). Collection method: clinical testing. Allele origin: germline.
Comment: This sequence change replaces alanine, which is neutral and non-polar, with valine, which is neutral and non-polar, at codon 369 of the SERPINF1 protein (p.Ala369Val). This variant is present in population databases (rs368630571, gnomAD 0.02%). This variant has not been reported in the literature in individuals affected with SERPINF1-related conditions. Algorithms developed to predict the effect of missense changes on protein structure and function output the following: SIFT: "Not Available"; PolyPhen-2: "Benign"; Align-GVGD: "Not Available". The valine amino acid residue is found in multiple mammalian species, which suggests that this missense change does not adversely affect protein function. In summary, the available evidence is currently insufficient to determine the role of this variant in disease. Therefore, it has been classified as a Variant of Uncertain Significance.

PreventionGenetics, part of Exact Sciences
Classification: Uncertain significance for SERPINF1-related condition. Last evaluated: 2024-07-10. Review status: no assertion criteria provided. Collection method: clinical testing. Allele origin: germline. Not counted in ClinVar's aggregate classification.
Comment: The SERPINF1 c.1106C>T variant is predicted to result in the amino acid substitution p.Ala369Val. To our knowledge, this variant has not been reported in the literature. This variant is reported in 0.023% of alleles in individuals of South Asian descent in gnomAD. At this time, the clinical significance of this variant is uncertain due to the absence of conclusive functional and genetic evidence.

NM_002615.7(SERPINF1):c.1106C>T (p.Ala369Val)

Gene: SERPINF1 (serpin family F member 1; plus strand). Cytogenetic location: 17p13.3.
Variant type: single nucleotide variant.
Coding change: c.1106C>T on transcript NM_002615.7 (MANE Select); coding-DNA position 1106, C replaced by T.
Protein change: p.Ala369Val; replaces alanine 369 with valine.
Molecular consequence: missense variant.
Genome position (GRCh38, 1-based): chr17:1,777,295, C>T. VCF-style: chr17-1777295-C-T. GRCh37 (hg19) VCF-style: chr17-1680589-C-T.
Other names: c.1106C>T, p.Ala369Val (NM_001329903.2); c.545C>T, p.Ala182Val (NM_001329904.2, NM_001329905.2); c.1106C>T (NM_002615.6); short protein forms A182V, A369V.
Identifiers: ClinVar variation 2061810 (VCV002061810.2), dbSNP rs368630571, ClinGen allele CA8274959.